The following is an entry in ClinVar:

ClinVar aggregate classification (germline): Uncertain significance (1 of 4 stars; one submission).

Conditions:
Genitopatellar syndrome (GTPTS). Also called: ABSENT PATELLAE, SCROTAL HYPOPLASIA, RENAL ANOMALIES, FACIAL DYSMORPHISM, AND MENTAL RETARDATION; Genitopatellar syndrome (GPS). Identifiers: Orphanet 85201, MedGen C1853566, MONDO:0011640, OMIM 606170.

Allele frequency attached by ClinVar (database versions not stated): gnomAD exomes below 0.00001; ExAC 0.00002.
gnomAD v4.1: 2 of 1,614,110 alleles (0.00012%); highest among the groups gnomAD compares: East Asian, 0.0045%; no homozygotes.

Submission:

Labcorp Genetics (formerly Invitae), Labcorp
Classification: Uncertain significance for Genitopatellar syndrome. Last evaluated: 2023-11-25. Review status: criteria provided, single submitter. Criteria: Invitae Variant Classification Sherloc (09022015). Collection method: clinical testing. Allele origin: germline.
Comment: This sequence change replaces glutamic acid, which is acidic and polar, with glutamine, which is neutral and polar, at codon 1472 of the KAT6B protein (p.Glu1472Gln). This variant is present in population databases (rs771354799, gnomAD 0.02%). This variant has not been reported in the literature in individuals affected with KAT6B-related conditions. Advanced modeling of protein sequence and biophysical properties (such as structural, functional, and spatial information, amino acid conservation, physicochemical variation, residue mobility, and thermodynamic stability) performed at Invitae indicates that this missense variant is not expected to disrupt KAT6B protein function with a negative predictive value of 80%. In summary, the available evidence is currently insufficient to determine the role of this variant in disease. Therefore, it has been classified as a Variant of Uncertain Significance.

NM_012330.4(KAT6B):c.4414G>C (p.Glu1472Gln)

Gene: KAT6B (lysine acetyltransferase 6B; plus strand). Cytogenetic location: 10q22.2.
Variant type: single nucleotide variant.
Coding change: c.4414G>C on transcript NM_012330.4 (MANE Select); coding-DNA position 4414, G replaced by C.
Protein change: p.Glu1472Gln; replaces glutamic acid 1472 with glutamine.
Molecular consequence: missense variant.
Genome position (GRCh38, 1-based): chr10:75,029,238, G>C. VCF-style: chr10-75029238-G-C. GRCh37 (hg19) VCF-style: chr10-76788996-G-C.
Other names: c.3865G>C, p.Glu1289Gln (NM_001256468.2, NM_001370138.1); c.3538G>C, p.Glu1180Gln (NM_001256469.2, NM_001370139.1, NM_001370140.1 and 2 more transcripts); c.3376G>C, p.Glu1126Gln (NM_001370132.1); c.2725G>C, p.Glu909Gln (NM_001370133.1); c.2329G>C, p.Glu777Gln (NM_001370134.1); c.2071G>C, p.Glu691Gln (NM_001370135.1); c.4414G>C, p.Glu1472Gln (NM_001370136.1, NM_001370137.1); c.3349G>C, p.Glu1117Gln (NM_001370143.1, NM_001370144.1); short protein forms E1180Q, E1472Q, E1117Q, E1126Q, E691Q, E909Q, E1289Q, E777Q.
Identifiers: ClinVar variation 2910685 (VCV002910685.3), dbSNP rs771354799, ClinGen allele CA5565029.